The following is an entry in ClinVar:

NM_003738.5(PTCH2):c.184G>A (p.Gly62Arg)

Gene: PTCH2 (patched 2; minus strand). Cytogenetic location: 1p34.1.
Variant type: single nucleotide variant.
Coding change: c.184G>A on transcript NM_003738.5 (MANE Select); coding-DNA position 184, G replaced by A.
Protein change: p.Gly62Arg; replaces glycine 62 with arginine.
Molecular consequence: missense variant.
Genome position (GRCh38, 1-based): chr1:44,841,928, C>T on the plus strand (G>A on the coding strand, the complement: PTCH2 is on the minus strand). VCF-style: chr1-44841928-C-T. GRCh37 (hg19) VCF-style: chr1-45307600-C-T.
Other names: c.184G>A (NM_003738.4); c.184G>A, p.Gly62Arg (NM_001166292.2); short protein forms G62R.
Identifiers: ClinVar variation 1367590 (VCV001367590.7), dbSNP rs751954698, ClinGen allele CA823726.

ClinVar aggregate classification (germline): Uncertain significance. Review status: criteria provided, multiple submitters, no conflicts (2 of 4 stars). 2 submissions from 2 submitters: Uncertain significance (2). Last evaluated 2022-03-29.

Conditions:
Gorlin syndrome. Also called: Basal cell nevus syndrome; Nevoid Basal Cell Carcinoma Syndrome. Identifiers: Orphanet 377, MedGen C0004779, MONDO:0007187.

Allele frequency attached by ClinVar (database versions not stated): ExAC 0.00001; gnomAD exomes 0.00001; gnomAD 0.00004; TOPMed 0.00006.
gnomAD v4.1: 9 of 1,614,096 alleles (0.00056%); highest among the groups gnomAD compares: African/African-American, 0.012%; no homozygotes.

Submissions (2):

Ambry Genetics
Classification: Uncertain significance. Last evaluated: 2022-03-29. Review status: criteria provided, single submitter. Criteria: Ambry Variant Classification Scheme 2023. Collection method: clinical testing. Allele origin: germline.

Labcorp Genetics (formerly Invitae), Labcorp
Classification: Uncertain significance for Gorlin syndrome. Last evaluated: 2021-11-17. Review status: criteria provided, single submitter. Criteria: Invitae Variant Classification Sherloc (09022015). Collection method: clinical testing. Allele origin: germline.
Comment: This sequence change replaces glycine, which is neutral and non-polar, with arginine, which is basic and polar, at codon 62 of the PTCH2 protein (p.Gly62Arg). This variant is present in population databases (rs751954698, gnomAD 0.01%). This variant has not been reported in the literature in individuals affected with PTCH2-related conditions. Algorithms developed to predict the effect of missense changes on protein structure and function are either unavailable or do not agree on the potential impact of this missense change (SIFT: "Deleterious"; PolyPhen-2: "Probably Damaging"; Align-GVGD: "Class C0"). In summary, the available evidence is currently insufficient to determine the role of this variant in disease. Therefore, it has been classified as a Variant of Uncertain Significance.